The following is an entry in ClinVar:

NM_198576.4(AGRN):c.6068G>T (p.Gly2023Val)

Gene: AGRN (agrin; plus strand). Cytogenetic location: 1p36.33.
Variant type: single nucleotide variant.
Coding change: c.6068G>T on transcript NM_198576.4 (MANE Select); coding-DNA position 6068, G replaced by T.
Protein change: p.Gly2023Val; replaces glycine 2023 with valine.
Molecular consequence: missense variant.
Genome position (GRCh38, 1-based): chr1:1,054,911, G>T. VCF-style: chr1-1054911-G-T. GRCh37 (hg19) VCF-style: chr1-990291-G-T.
Other names: p.Gly2023Val; c.6137G>T, p.Gly2046Val (NM_001305275.2); c.5765G>T, p.Gly1922Val (NM_001364727.2); short protein forms G2023V, G2046V, G1922V.
Identifiers: ClinVar variation 474167 (VCV000474167.8), dbSNP rs374160610, ClinGen allele CA510326.
Genomic context (GRCh38, chr1:1,054,911, plus strand): 5'-CAGCACTGCCCAAGGCCTACGGCACAGGCTTTGTGGGCTGCTTGCGGGACGTGGTGGTGG[G>T]CCGGCACCCGCTGCACCTGCTGGAGGACGCCGTCACCAAGCCAGAGCTGCGGCCCTGCCC-3'
Protein context (NP_940978.2, residues 2013-2033): FVGCLRDVVV[Gly2023Val]RHPLHLLEDA

ClinVar aggregate classification (germline): Uncertain significance. Review status: criteria provided, multiple submitters, no conflicts (2 of 4 stars). 3 submissions from 3 submitters: Uncertain significance (3). Last evaluated 2023-08-04.

Conditions:
Inborn genetic diseases. Identifiers: MedGen C0950123, MeSH D030342.
Congenital myasthenic syndrome 8. Also called: Myasthenic syndrome, congenital, 8, with pre- and postsynaptic defects; MYASTHENIC SYNDROME, CONGENITAL, DUE TO AGRIN DEFICIENCY. Identifiers: Orphanet 590, MedGen C3808739, MONDO:0014052, OMIM 615120.

Allele frequency attached by ClinVar (database versions not stated): ExAC below 0.00001; TOPMed 0.00009; gnomAD 0.00011 and 0.00013; ESP Exome Variant Server 0.00024.
gnomAD v4.1: 102 of 1,548,446 alleles (0.0066%); highest among the groups gnomAD compares: Non-Finnish European, 0.0085%; no homozygotes.

Submissions (3):

Ambry Genetics
Classification: Uncertain significance for Inborn genetic diseases. Last evaluated: 2023-08-04. Review status: criteria provided, single submitter. Criteria: Ambry Variant Classification Scheme 2023. Collection method: clinical testing. Allele origin: germline.

Mayo Clinic Laboratories, Mayo Clinic
Classification: Uncertain significance. Last evaluated: 2023-03-15. Review status: criteria provided, single submitter. Criteria: ACMG Guidelines, 2015. Collection method: clinical testing. Allele origin: germline. Observed: 1 variant allele.
Comment: PM2

Labcorp Genetics (formerly Invitae), Labcorp
Classification: Uncertain significance for Congenital myasthenic syndrome 8. Last evaluated: 2022-08-09. Review status: criteria provided, single submitter. Criteria: Invitae Variant Classification Sherloc (09022015). Collection method: clinical testing. Allele origin: germline.
Comment: This sequence change replaces glycine, which is neutral and non-polar, with valine, which is neutral and non-polar, at codon 2023 of the AGRN protein (p.Gly2023Val). This variant is present in population databases (rs374160610, gnomAD 0.01%). This variant has not been reported in the literature in individuals affected with AGRN-related conditions. ClinVar contains an entry for this variant (Variation ID: 474167). Algorithms developed to predict the effect of missense changes on protein structure and function are either unavailable or do not agree on the potential impact of this missense change (SIFT: "Deleterious"; PolyPhen-2: "Probably Damaging"; Align-GVGD: "Class C0"). In summary, the available evidence is currently insufficient to determine the role of this variant in disease. Therefore, it has been classified as a Variant of Uncertain Significance.